The following is an entry in ClinVar:

ClinVar aggregate classification (germline): Uncertain significance (1 of 4 stars; one submission).

Submission:

GeneDx
Classification: Uncertain significance. Last evaluated: 2024-07-29. Review status: criteria provided, single submitter. Criteria: GeneDx Variant Classification Process June 2021. Collection method: clinical testing. Allele origin: germline. Affected: yes.
Comment: Not observed at significant frequency in large population cohorts (gnomAD); In silico analysis supports that this missense variant has a deleterious effect on protein structure/function; Has not been previously published as pathogenic or benign to our knowledge

NM_001830.4(CLCN4):c.1781C>T (p.Thr594Ile)

Gene: CLCN4 (chloride voltage-gated channel 4; plus strand). Cytogenetic location: Xp22.2.
Variant type: single nucleotide variant.
Coding change: c.1781C>T on transcript NM_001830.4 (MANE Select); coding-DNA position 1781, C replaced by T.
Protein change: p.Thr594Ile; replaces threonine 594 with isoleucine.
Molecular consequence: missense variant.
Genome position (GRCh38, 1-based): chrX:10,213,885, C>T. VCF-style: chrX-10213885-C-T. GRCh37 (hg19) VCF-style: chrX-10181925-C-T.
Other names: c.1499C>T, p.Thr500Ile (NM_001256944.2); short protein forms T500I, T594I.
Identifiers: ClinVar variation 3602309 (VCV003602309.1).